The following is an entry in ClinVar:

ClinVar aggregate classification (germline): Uncertain significance (1 of 4 stars; one submission).

Conditions:
Seizures, benign familial infantile, 3 (BFIS3). Also called: CONVULSIONS, BENIGN FAMILIAL INFANTILE, 3; Familial neonatal seizures. Identifiers: Orphanet 140927, Orphanet 306, MedGen C1843140, MONDO:0011904, OMIM 607745.
Developmental and epileptic encephalopathy, 11 (DEE11). Also called: Early infantile epileptic encephalopathy 11. Identifiers: Orphanet 1934, MedGen C3150987, MONDO:0013388, OMIM 613721.

gnomAD v4.1: 1 of 1,564,822 alleles (0.000064%); highest among the groups gnomAD compares: Non-Finnish European, 0.000087%; no homozygotes.

Submission:

Labcorp Genetics (formerly Invitae), Labcorp
Classification: Uncertain significance for Seizures, benign familial infantile, 3; Developmental and epileptic encephalopathy, 11. Last evaluated: 2023-09-27. Review status: criteria provided, single submitter. Criteria: Invitae Variant Classification Sherloc (09022015). Collection method: clinical testing. Allele origin: germline.
Comment: This sequence change replaces alanine, which is neutral and non-polar, with serine, which is neutral and polar, at codon 1517 of the SCN2A protein (p.Ala1517Ser). This variant is not present in population databases (gnomAD no frequency). This variant has not been reported in the literature in individuals affected with SCN2A-related conditions. ClinVar contains an entry for this variant (Variation ID: 963593). An algorithm developed to predict the effect of missense changes on protein structure and function (PolyPhen-2) suggests that this variant is likely to be tolerated. In summary, the available evidence is currently insufficient to determine the role of this variant in disease. Therefore, it has been classified as a Variant of Uncertain Significance.

NM_001040142.2(SCN2A):c.4549G>T (p.Ala1517Ser)

Gene: SCN2A (sodium voltage-gated channel alpha subunit 2; plus strand). Cytogenetic location: 2q24.3.
Variant type: single nucleotide variant.
Coding change: c.4549G>T on transcript NM_001040142.2 (MANE Select); coding-DNA position 4549, G replaced by T.
Protein change: p.Ala1517Ser; replaces alanine 1517 with serine.
Molecular consequence: missense variant.
Genome position (GRCh38, 1-based): chr2:165,381,195, G>T. VCF-style: chr2-165381195-G-T. GRCh37 (hg19) VCF-style: chr2-166237705-G-T.
Other names: c.4549G>T, p.Ala1517Ser (NM_001040143.2, NM_001371246.1, NM_001371247.1 and 1 more transcripts); short protein forms A1517S.
Identifiers: ClinVar variation 963593 (VCV000963593.10), dbSNP rs1701583848, ClinGen allele CA349035000.